The following is an entry in ClinVar:

NM_007294.4(BRCA1):c.788G>T (p.Gly263Val)

Gene: BRCA1 (BRCA1 DNA repair associated; minus strand). Cytogenetic location: 17q21.31.
Variant type: single nucleotide variant.
Coding change: c.788G>T on transcript NM_007294.4 (MANE Select); coding-DNA position 788, G replaced by T.
Protein change: p.Gly263Val; replaces glycine 263 with valine.
Molecular consequence: missense variant. On other transcripts: 5 prime UTR variant (2), splice donor variant (123), intron variant (13).
Genome position (GRCh38, 1-based): chr17:43,094,743, C>A on the plus strand (G>T on the coding strand, the complement: BRCA1 is on the minus strand). VCF-style: chr17-43094743-C-A. GRCh37 (hg19) VCF-style: chr17-41246760-C-A.
Other names: c.575G>T, p.Gly192Val (NM_001407571.1, NM_001407853.1, NM_001407894.1 and 9 more transcripts); c.788G>T, p.Gly263Val (NM_001407581.1, NM_001407582.1, NM_001407583.1 and 31 more transcripts); c.785G>T, p.Gly262Val (NM_001407587.1, NM_001407590.1, NM_001407591.1 and 22 more transcripts); c.779G>T, p.Gly260Val (NM_001407646.1, NM_001407647.1); c.665G>T, p.Gly222Val (NM_001407648.1, NM_001407664.1, NM_001407665.1 and 19 more transcripts); c.662G>T, p.Gly221Val (NM_001407649.1, NM_001407670.1, NM_001407671.1 and 11 more transcripts); c.710G>T, p.Gly237Val (NM_001407653.1, NM_001407654.1, NM_001407655.1 and 4 more transcripts); c.707G>T, p.Gly236Val (NM_001407659.1, NM_001407660.1, NM_001407661.1 and 1 more transcripts); and 39 more; short protein forms G263V, G216V, G136V, G193V, G215V, G152V, G174V, G175V.
Identifiers: ClinVar variation 55701 (VCV000055701.8), dbSNP rs397509319, ClinGen allele CA003872.

ClinVar aggregate classification (germline): Conflicting classifications of pathogenicity. Review status: criteria provided, conflicting classifications (1 of 4 stars). 4 submissions from 4 submitters: Uncertain significance (2); Likely benign (1). 1 of the submissions does not count toward it. Last evaluated 2023-03-23.

Conditions:
Hereditary cancer-predisposing syndrome. Also called: Neoplastic Syndromes, Hereditary; Hereditary neoplastic syndrome; Tumor predisposition; Hereditary Cancer Syndrome. Identifiers: Orphanet 140162, MedGen C0027672, MeSH D009386, MONDO:0015356.
Familial cancer of breast. Also called: BREAST CANCER, FAMILIAL; Hereditary breast cancer; hereditary breast carcinoma. Identifiers: Orphanet 227535, MedGen C0346153, MONDO:0016419, OMIM 114480. Disease mechanism: loss of function.

Submissions (4):

University of Washington Department of Laboratory Medicine, University of Washington
Classification: Likely benign for Hereditary cancer-predisposing syndrome. Last evaluated: 2023-03-23. Review status: criteria provided, single submitter. Criteria: Dines et al. (Genet Med. 2020). Collection method: curation. Allele origin: germline.
Comment: Missense variant in a coldspot region where missense variants are very unlikely to be pathogenic (PMID:31911673).

BRCA1 coldspot (exon 11 using historical exon numbering). Reclassification based on statistical prior probability

Ambry Genetics
Classification: Uncertain significance for Hereditary cancer-predisposing syndrome. Last evaluated: 2023-02-07. Review status: criteria provided, single submitter. Criteria: Ambry Variant Classification Scheme 2023. Collection method: clinical testing. Allele origin: germline.
Comment: The p.G263V variant (also known as c.788G>T), located in coding exon 9 of the BRCA1 gene, results from a G to T substitution at nucleotide position 788. The glycine at codon 263 is replaced by valine, an amino acid with dissimilar properties. This amino acid position is not well conserved in available vertebrate species. In silico splice site analysis predicts that this alteration will result in the creation or strengthening of a novel splice donor site; however, direct evidence is insufficient at this time (Ambry internal data). In addition, as a missense substitution this alteration is predicted to be tolerated by in silico analysis. Since supporting evidence is limited at this time, the clinical significance of this alteration remains unclear.

Color Diagnostics, LLC DBA Color Health
Classification: Uncertain significance for Hereditary cancer-predisposing syndrome. Last evaluated: 2020-08-19. Review status: criteria provided, single submitter. Criteria: ACMG Guidelines, 2015. Collection method: clinical testing. Allele origin: germline.
Comment: This missense variant replaces glycine with valine at codon 263 of the BRCA1 protein. Computational prediction is inconclusive regarding the impact of this variant on protein structure and function (internally defined REVEL score threshold 0.5 < inconclusive < 0.7, PMID: 27666373). To our knowledge, functional studies have not been reported for this variant. This variant has not been reported in individuals affected with hereditary cancer in the literature. This variant has not been identified in the general population by the Genome Aggregation Database (gnomAD). The available evidence is insufficient to determine the role of this variant in disease conclusively. Therefore, this variant is classified as a Variant of Uncertain Significance.

ClinVar Staff, National Center for Biotechnology Information (NCBI)
No classification provided. Condition: Familial cancer of breast. Review status: no classification provided. Collection method: literature only. Allele origin: germline. Affected: yes. Not counted in ClinVar's aggregate classification.

Literature cited by the submitters: PubMed 18273839 (cited by ClinVar Staff, National Center for Biotechnology Information (NCBI)).